The following is an entry in ClinVar:

NM_001379291.1(BRD4):c.2135C>T (p.Ser712Phe)

Gene: BRD4 (bromodomain containing 4; minus strand). Cytogenetic location: 19p13.12.
Variant type: single nucleotide variant.
Coding change: c.2135C>T on transcript NM_001379291.1 (MANE Select); coding-DNA position 2135, C replaced by T.
Protein change: p.Ser712Phe; replaces serine 712 with phenylalanine.
Molecular consequence: missense variant.
Genome position (GRCh38, 1-based): chr19:15,254,175, G>A on the plus strand (C>T on the coding strand, the complement: BRD4 is on the minus strand). VCF-style: chr19-15254175-G-A. GRCh37 (hg19) VCF-style: chr19-15364986-G-A.
Other names: c.2135C>T, p.Ser712Phe (NM_001330384.2, NM_001379292.1, NM_014299.3 and 1 more transcripts); short protein forms S712F.
Identifiers: ClinVar variation 1699380 (VCV001699380.3), dbSNP rs768842514, ClinGen allele CA305799485.

ClinVar aggregate classification (germline): Uncertain significance (1 of 4 stars; one submission).

Conditions:
De Lange syndrome (CDLS). Also called: Cornelia de Lange syndrome; CDL. Identifiers: Orphanet 199, MedGen C0270972, MONDO:0016033.

Allele frequency attached by ClinVar (database versions not stated): gnomAD exomes below 0.00001 and 0.00001.
gnomAD v4.1: 6 of 1,614,200 alleles (0.00037%); highest among the groups gnomAD compares: Non-Finnish European, 0.00051%; no homozygotes.

Submission:

Victorian Clinical Genetics Services, Murdoch Childrens Research Institute
Classification: Uncertain significance for De Lange syndrome. Last evaluated: 2022-06-24. Review status: criteria provided, single submitter. Criteria: ACMG Guidelines, 2015. Collection method: clinical testing. Allele origin: germline. Inheritance: Autosomal dominant inheritance. Affected: yes.
Comment: Based on the classification scheme VCGS_Germline_v1.3.4, this variant is classified as VUS-3B. Following criteria are met: 0102 - Loss of function is a known mechanism of disease in this gene and is associated with Cornelia de Lange syndrome (MONDO:0016033; PMID: 34035299). (I) 0107 - This gene is associated with autosomal dominant disease. (I) 0200 - Variant is predicted to result in a missense amino acid change from serine to phenylalanine. (I) 0251 - This variant is heterozygous. (I) 0302 - Variant is present in gnomAD (v2) <0.001 for a dominant condition (1 heterozygote, 0 homozygotes). (SP) 0501 - Missense variant consistently predicted to be damaging by multiple in silico tools or highly conserved with a major amino acid change. (SP) 0604 - Variant is not located in an established domain, motif, hotspot or informative constraint region. (I) 0705 - No comparable missense variants have previous evidence for pathogenicity. (I) 0807 - This variant has no previous evidence of pathogenicity. (I) 0905 - No published segregation evidence has been identified for this variant. (I) 1007 - No published functional evidence has been identified for this variant. (I) 1208 - Inheritance information for this variant is not currently available in this individual. (I) Legend: (SP) - Supporting pathogenic, (I) - Information, (SB) - Supporting benign

Literature cited by the submitters: PubMed 34035299.